The following is an entry in ClinVar:

NM_000069.3(CACNA1S):c.4933G>A (p.Glu1645Lys)

Gene: CACNA1S (calcium voltage-gated channel subunit alpha1 S; minus strand). Cytogenetic location: 1q32.1.
Variant type: single nucleotide variant.
Coding change: c.4933G>A on transcript NM_000069.3 (MANE Select); coding-DNA position 4933, G replaced by A.
Protein change: p.Glu1645Lys; replaces glutamic acid 1645 with lysine.
Molecular consequence: missense variant.
Genome position (GRCh38, 1-based): chr1:201,043,396, C>T on the plus strand (G>A on the coding strand, the complement: CACNA1S is on the minus strand). VCF-style: chr1-201043396-C-T. GRCh37 (hg19) VCF-style: chr1-201012524-C-T.
Other names: short protein forms E1645K.
Identifiers: ClinVar variation 4758227 (VCV004758227.1).
Genomic context (GRCh38, chr1:201,043,396, plus strand): 5'-TGGCATTGTTGGTATTGGCACGAGCCAGGGGGTTGGTGCGTGGATCTTGTGGGAAGTCCT[C>T]CAAGAAGACAGGTGACTCCATCTCTTCCATCTCTATCTCAGCAAACTGGAGGGGTCTCTG-3'
Protein context (NP_000060.2, residues 1635-1655): MEEMESPVFL[Glu1645Lys]DFPQDPRTNP

ClinVar aggregate classification (germline): Uncertain significance (1 of 4 stars; one submission).

Conditions:
Malignant hyperthermia, susceptibility to, 5 (MHS5). Also called: CACNA1S-Related Malignant Hyperthermia Susceptibility. Identifiers: Orphanet 423, MedGen C1866077, MONDO:0011163, OMIM 601887.

gnomAD v4.1: 1 of 1,614,138 alleles (0.000062%); no homozygotes.

Submission:

Color Diagnostics, LLC DBA Color Health
Classification: Uncertain significance for Malignant hyperthermia, susceptibility to, 5. Last evaluated: 2025-10-20. Review status: criteria provided, single submitter. Criteria: ACMG Guidelines, 2015. Collection method: clinical testing. Allele origin: germline.
Comment: This missense variant replaces glutamic acid with lysine at codon 1645 of the CACNA1S protein. Computational prediction suggests that this variant may not impact protein structure and function. To our knowledge, functional studies have not been reported for this variant. This variant has not been reported in individuals affected with CACNA1S-related disorders in the literature. This variant has been identified in 1/1461890 chromosomes in the general population by the Genome Aggregation Database (gnomAD). The available evidence is insufficient to determine the role of this variant in disease conclusively. Therefore, this variant is classified as a Variant of Uncertain Significance.